The following is an entry in ClinVar:

NM_001164508.2(NEB):c.20591C>T (p.Ala6864Val)

Gene: NEB (nebulin; minus strand). Cytogenetic location: 2q23.3.
Variant type: single nucleotide variant.
Coding change: c.20591C>T on transcript NM_001164508.2 (MANE Select); coding-DNA position 20591, C replaced by T.
Protein change: p.Ala6864Val; replaces alanine 6864 with valine.
Molecular consequence: missense variant.
Genome position (GRCh38, 1-based): chr2:151,541,538, G>A on the plus strand (C>T on the coding strand, the complement: NEB is on the minus strand). VCF-style: chr2-151541538-G-A. GRCh37 (hg19) VCF-style: chr2-152398052-G-A.
Other names: c.20591C>T, p.Ala6864Val (NM_001164507.2, NM_001271208.2); c.15488C>T, p.Ala5163Val (NM_004543.5); short protein forms A5163V, A6864V.
Identifiers: ClinVar variation 1993938 (VCV001993938.1), dbSNP rs1490176256, ClinGen allele CA348779062.
Genomic context (GRCh38, chr2:151,541,538, plus strand): 5'-CTTAAAAGATCAGGAGTATCAGGAACTGAAGTAAAGATTGACTTCTGCTTCTTGCCTGCA[G>A]CTCTGTAGACCAGCTAGACATAAACCAAGTTATCACCATCATTTCTGTTTCATGGGCATG-3'
Protein context (NP_001157980.2, residues 6854-6874): KTHLSELVYR[Ala6864Val]AGKKQKSIFT

ClinVar aggregate classification (germline): Uncertain significance (1 of 4 stars; one submission).

Conditions:
Nemaline myopathy 2 (NEM2). Also called: Nemaline myopathy 2, autosomal recessive. Identifiers: MedGen C1850569, MONDO:0009725, OMIM 256030.

Submission:

Labcorp Genetics (formerly Invitae), Labcorp
Classification: Uncertain significance for Nemaline myopathy 2. Last evaluated: 2022-05-13. Review status: criteria provided, single submitter. Criteria: Invitae Variant Classification Sherloc (09022015). Collection method: clinical testing. Allele origin: germline.
Comment: This sequence change replaces alanine, which is neutral and non-polar, with valine, which is neutral and non-polar, at codon 6864 of the NEB protein (p.Ala6864Val). This variant is not present in population databases (gnomAD no frequency). This variant has not been reported in the literature in individuals affected with NEB-related conditions. Algorithms developed to predict the effect of missense changes on protein structure and function are either unavailable or do not agree on the potential impact of this missense change (SIFT: "Deleterious"; PolyPhen-2: "Not Available"; Align-GVGD: "Class C0"). In summary, the available evidence is currently insufficient to determine the role of this variant in disease. Therefore, it has been classified as a Variant of Uncertain Significance.